The following is an entry in ClinVar:

NM_004958.4(MTOR):c.3739A>C (p.Ser1247Arg)

Gene: MTOR (mechanistic target of rapamycin kinase; minus strand). Cytogenetic location: 1p36.22.
Variant type: single nucleotide variant.
Coding change: c.3739A>C on transcript NM_004958.4 (MANE Select); coding-DNA position 3739, A replaced by C.
Protein change: p.Ser1247Arg; replaces serine 1247 with arginine.
Molecular consequence: missense variant.
Genome position (GRCh38, 1-based): chr1:11,209,374, T>G on the plus strand (A>C on the coding strand, the complement: MTOR is on the minus strand). VCF-style: chr1-11209374-T-G. GRCh37 (hg19) VCF-style: chr1-11269431-T-G.
Other names: short protein forms S1247R.
Identifiers: ClinVar variation 856871 (VCV000856871.11), dbSNP rs1646241062, ClinGen allele CA338370554.

ClinVar aggregate classification (germline): Uncertain significance (1 of 4 stars; one submission).

Allele frequency attached by ClinVar (database versions not stated): gnomAD exomes below 0.00001.
gnomAD v4.1: 1 of 1,614,232 alleles (0.000062%); highest among the groups gnomAD compares: African/African-American, 0.0013%; no homozygotes.

Submission:

Labcorp Genetics (formerly Invitae), Labcorp
Classification: Uncertain significance. Last evaluated: 2022-07-05. Review status: criteria provided, single submitter. Criteria: Invitae Variant Classification Sherloc (09022015). Collection method: clinical testing. Allele origin: germline.
Comment: In summary, the available evidence is currently insufficient to determine the role of this variant in disease. Therefore, it has been classified as a Variant of Uncertain Significance. Advanced modeling of protein sequence and biophysical properties (such as structural, functional, and spatial information, amino acid conservation, physicochemical variation, residue mobility, and thermodynamic stability) performed at Invitae indicates that this missense variant is not expected to disrupt MTOR protein function. ClinVar contains an entry for this variant (Variation ID: 856871). This variant has not been reported in the literature in individuals affected with MTOR-related conditions. This variant is not present in population databases (gnomAD no frequency). This sequence change replaces serine, which is neutral and polar, with arginine, which is basic and polar, at codon 1247 of the MTOR protein (p.Ser1247Arg).